The following is an entry in ClinVar:

ClinVar aggregate classification (germline): Uncertain significance (0 of 4 stars; one submission).

Conditions:
Prostate cancer. Also called: Malignant tumor of prostate. Identifiers: Orphanet 1331, MedGen C0376358, MONDO:0008315, HP:0012125.

Submission:

Science for Life laboratory,  Karolinska Institutet
Classification: Uncertain significance for Malignant tumor of prostate. Review status: no assertion criteria provided. Collection method: not provided. Allele origin: somatic.
Comment: TumorID:SWE-19
ClinVar note: Converted during submission from Unknown to Uncertain significance.

NM_001394062.1(MACF1):c.1508G>C (p.Arg503Thr)

Gene: MACF1 (microtubule actin crosslinking factor 1; plus strand). Cytogenetic location: 1p34.3.
Variant type: single nucleotide variant.
Coding change: c.1508G>C on transcript NM_001394062.1 (MANE Select); coding-DNA position 1508, G replaced by C.
Protein change: p.Arg503Thr; replaces arginine 503 with threonine.
Molecular consequence: missense variant.
Genome position (GRCh38, 1-based): chr1:39,285,758, G>C. VCF-style: chr1-39285758-G-C. GRCh37 (hg19) VCF-style: chr1-39751430-G-C.
Other names: c.1523G>C, p.Arg508Thr (NM_012090.5); short protein forms R508T, R503T.
Identifiers: ClinVar variation 161658 (VCV000161658.2), dbSNP rs193920913, ClinGen allele CA174545.